The following is an entry in ClinVar:

ClinVar aggregate classification (germline): Uncertain significance (1 of 4 stars; one submission).

Conditions:
Sotos syndrome (SOTOS). Also called: CEREBRAL GIGANTISM; Sotos' syndrome; CHROMOSOME 5q35 DELETION SYNDROME; SOTOS SYNDROME 1; Distinctive facial appearance, overgrowth in childhood, and learning disabilities or delayed development. Identifiers: Orphanet 821, MedGen C0175695, MONDO:0019349, OMIM 117550.

Allele frequency attached by ClinVar (database versions not stated): gnomAD exomes below 0.00001.
gnomAD v4.1: 2 of 1,614,146 alleles (0.00012%); highest among the groups gnomAD compares: African/African-American, 0.0013%; no homozygotes.

Submission:

New York Genome Center
Classification: Uncertain significance for Sotos syndrome. Last evaluated: 2019-10-07. Review status: criteria provided, single submitter. Criteria: NYGC Assertion Criteria 2020. Collection method: clinical testing. Allele origin: germline. Inheritance: Autosomal dominant inheritance. Observed: 1 variant allele, 1 heterozygote. Study: CSER-NYCKidSeq.
Comment: The c.1028C>G (p.Ser343Cys) variant identified in the NSD1 gene substitutes a completely conserved Serine for Cysteine at amino acid 343/2697 (coding exon: 3/23). This variant is absent from gnomAD and ExAC, suggesting it is not a benign variant in the populations represented in these databases. In silico algorithms do not predict this variant to be damaging as it is predicted Neutral (Provean; score: -0.24) and Tolerated (SIFT; score: 0.204) to the function of the canonical transcript. This variant is absent from ClinVar and to our current knowledge has not been reported in affected individuals in the literature. The p.Ser343 residue is within the first PWWP domain of NDS1, and PWWP domains are important for chromatin and histone binding, however this domain is not enriched for pathogenic NSD1 missense variants. Given the lack of compelling evidence supporting its pathogenicity, the c.1028C>G (p.Ser343Cys) variant identified in NSD1 is reported here as a Variant of Uncertain Significance.

NM_022455.5(NSD1):c.1028C>G (p.Ser343Cys)

Gene: NSD1 (nuclear receptor binding SET domain protein 1; plus strand). Cytogenetic location: 5q35.3.
Variant type: single nucleotide variant.
Coding change: c.1028C>G on transcript NM_022455.5 (MANE Select); coding-DNA position 1028, C replaced by G.
Protein change: p.Ser343Cys; replaces serine 343 with cysteine.
Molecular consequence: missense variant.
Genome position (GRCh38, 1-based): chr5:177,191,984, C>G. VCF-style: chr5-177191984-C-G. GRCh37 (hg19) VCF-style: chr5-176618985-C-G.
Other names: c.155C>G, p.Ser52Cys (NM_001365684.2, NM_001409305.1, NM_001409306.1 and 4 more transcripts); c.1028C>G, p.Ser343Cys (NM_001409301.1, NM_001409302.1, NM_001409303.1); c.608C>G, p.Ser203Cys (NM_001409304.1); short protein forms S343C, S74C, S52C, S203C.
Identifiers: ClinVar variation 996882 (VCV000996882.2), dbSNP rs1761727286, ClinGen allele CA362306385.